The following is an entry in ClinVar:

ClinVar aggregate classification (germline): Uncertain significance (1 of 4 stars; one submission).

Conditions:
Malignant hyperthermia, susceptibility to, 5 (MHS5). Also called: CACNA1S-Related Malignant Hyperthermia Susceptibility. Identifiers: Orphanet 423, MedGen C1866077, MONDO:0011163, OMIM 601887.

gnomAD v4.1: 1 of 1,614,132 alleles (0.000062%); highest among the groups gnomAD compares: East Asian, 0.0022%; no homozygotes.

Submission:

Color Diagnostics, LLC DBA Color Health
Classification: Uncertain significance for Malignant hyperthermia, susceptibility to, 5. Last evaluated: 2025-08-07. Review status: criteria provided, single submitter. Criteria: ACMG Guidelines, 2015. Collection method: clinical testing. Allele origin: germline.
Comment: This missense variant replaces alanine with proline at codon 1525 of the CACNA1S protein. Computational prediction suggests that this variant may have deleterious impact on protein structure and function. To our knowledge, functional studies have not been reported for this variant. This variant has not been reported in individuals affected with CACNA1S-related disorders in the literature. This variant has not been identified in the general population by the Genome Aggregation Database (gnomAD). The available evidence is insufficient to determine the role of this variant in disease conclusively. Therefore, this variant is classified as a Variant of Uncertain Significance.

NM_000069.3(CACNA1S):c.4573G>C (p.Ala1525Pro)

Gene: CACNA1S (calcium voltage-gated channel subunit alpha1 S; minus strand). Cytogenetic location: 1q32.1.
Variant type: single nucleotide variant.
Coding change: c.4573G>C on transcript NM_000069.3 (MANE Select); coding-DNA position 4573, G replaced by C.
Protein change: p.Ala1525Pro; replaces alanine 1525 with proline.
Molecular consequence: missense variant.
Genome position (GRCh38, 1-based): chr1:201,047,210, C>G on the plus strand (G>C on the coding strand, the complement: CACNA1S is on the minus strand). VCF-style: chr1-201047210-C-G. GRCh37 (hg19) VCF-style: chr1-201016338-C-G.
Other names: short protein forms A1525P.
Identifiers: ClinVar variation 4758330 (VCV004758330.1).